The following is an entry in ClinVar:

ClinVar aggregate classification (germline): Uncertain significance. Review status: criteria provided, multiple submitters, no conflicts (2 of 4 stars). 3 submissions from 3 submitters: Uncertain significance (3). Last evaluated 2025-07-30.

Conditions:
Combined immunodeficiency due to LRBA deficiency. Also called: Common variable immunodeficiency 8, with autoimmunity. Identifiers: Orphanet 445018, MedGen C3553512, MONDO:0013863, OMIM 614700.

Allele frequency attached by ClinVar (database versions not stated): ESP Exome Variant Server 0.00008; TOPMed 0.00008; 1000 Genomes Project 30x 0.00016; 1000 Genomes Project 0.00020.
gnomAD v4.1: 227 of 1,604,542 alleles (0.014%); highest among the groups gnomAD compares: Non-Finnish European, 0.018%; 1 homozygote.

Submissions (3):

Labcorp Genetics (formerly Invitae), Labcorp
Classification: Uncertain significance for Combined immunodeficiency due to LRBA deficiency. Last evaluated: 2025-07-30. Review status: criteria provided, single submitter. Criteria: Invitae Variant Classification Sherloc (09022015). Collection method: clinical testing. Allele origin: germline.
Comment: This sequence change falls in intron 4 of the LRBA gene. It does not directly change the encoded amino acid sequence of the LRBA protein. It affects a nucleotide within the consensus splice site. This variant is present in population databases (rs199594598, gnomAD 0.009%). This variant has not been reported in the literature in individuals affected with LRBA-related conditions. ClinVar contains an entry for this variant (Variation ID: 197284). Variants that disrupt the consensus splice site are a relatively common cause of aberrant splicing (PMID: 17576681, 9536098). Algorithms developed to predict the effect of sequence changes on RNA splicing suggest that this variant is not likely to affect RNA splicing. In summary, the available evidence is currently insufficient to determine the role of this variant in disease. Therefore, it has been classified as a Variant of Uncertain Significance.

Blueprint Genetics
Classification: Uncertain significance. Last evaluated: 2022-05-25. Review status: criteria provided, single submitter. Criteria: ACMG Guidelines, 2015. Collection method: clinical testing. Allele origin: germline.

Eurofins Ntd Llc (ga)
Classification: Uncertain significance. Last evaluated: 2015-04-10. Review status: criteria provided, single submitter. Criteria: EGL Classification Definitions 2015. Collection method: clinical testing. Allele origin: germline. Observed: 1 variant allele, 1 heterozygote.

Literature cited by the submitters: PubMed 17576681 (cited by Labcorp Genetics (formerly Invitae), Labcorp); PubMed 9536098 (cited by Labcorp Genetics (formerly Invitae), Labcorp).

NM_001364905.1(LRBA):c.549+6A>C

Gene: LRBA (LPS responsive beige-like anchor protein; minus strand). Cytogenetic location: 4q31.3.
Variant type: single nucleotide variant.
Coding change: c.549+6A>C on transcript NM_001364905.1 (MANE Select); 6 bases into the intron after coding-DNA position 549, A replaced by C.
Molecular consequence: intron variant.
Genome position (GRCh38, 1-based): chr4:150,928,510, T>G on the plus strand (A>C on the coding strand, the complement: LRBA is on the minus strand). VCF-style: chr4-150928510-T-G. GRCh37 (hg19) VCF-style: chr4-151849662-T-G.
Other names: c.549+6A>C (NM_001367550.1, NM_006726.5, NM_001199282.3 and 2 more transcripts).
Identifiers: ClinVar variation 197284 (VCV000197284.10), dbSNP rs199594598, ClinGen allele CA245329.